The following is an entry in ClinVar:

NM_001384125.1(BLTP1):c.1156C>T (p.Arg386Ter)

Gene: BLTP1 (bridge-like lipid transfer protein family member 1; plus strand). Cytogenetic location: 4q27.
Variant type: single nucleotide variant.
Coding change: c.1156C>T on transcript NM_001384125.1 (MANE Select); coding-DNA position 1156, C replaced by T.
Protein change: p.Arg386Ter; replaces arginine 386 with a stop codon.
Molecular consequence: nonsense.
Genome position (GRCh38, 1-based): chr4:122,196,738, C>T. VCF-style: chr4-122196738-C-T. GRCh37 (hg19) VCF-style: chr4-123117893-C-T.
Other names: c.1156C>T, p.Arg386Ter (NM_015312.4); short protein forms R386*.
Identifiers: ClinVar variation 930606 (VCV000930606.3), dbSNP rs1188013106, ClinGen allele CA358062381.

ClinVar aggregate classification (germline): Likely pathogenic (1 of 4 stars; one submission).

Conditions:
Alkuraya-Kucinskas syndrome. Identifiers: Orphanet 610569, MedGen C4693347, MONDO:0060631, OMIM 617822.

Allele frequency attached by ClinVar (database versions not stated): gnomAD below 0.00001 and 0.00001; gnomAD exomes below 0.00001; TOPMed 0.00001.
gnomAD v4.1: 7 of 1,609,426 alleles (0.00043%); highest among the groups gnomAD compares: South Asian, 0.0011%; no homozygotes.

Submission:

Centre for Mendelian Genomics, University Medical Centre Ljubljana
Classification: Likely pathogenic for Alkuraya-Kucinskas syndrome. Last evaluated: 2020-01-15. Review status: criteria provided, single submitter. Criteria: ACMG Guidelines, 2015. Collection method: clinical testing. Allele origin: unknown. Affected: yes.
Comment: This variant was classified as: Likely pathogenic. The following ACMG criteria were applied in classifying this variant: PVS1,PM2.